The following is an entry in ClinVar:

ClinVar aggregate classification (germline): Pathogenic/Likely pathogenic. Review status: criteria provided, multiple submitters, no conflicts (2 of 4 stars). 3 submissions from 3 submitters: Pathogenic (1); Likely pathogenic (2). Last evaluated 2024-05-22.

Conditions:
Metaphyseal chondrodysplasia, McKusick type (CHH). Also called: Cartilage-Hair Hypoplasia (CHH); Cartilage-hair hypoplasia. Identifiers: Orphanet 175, MedGen C0220748, MONDO:0009595, OMIM 250250.
Anauxetic dysplasia. Identifiers: Orphanet 93347, MedGen C1846796, MONDO:0011773.

Submissions (3):

Natera, Inc.
Classification: Likely pathogenic for Cartilage-hair hypoplasia. Last evaluated: 2024-05-22. Review status: criteria provided, single submitter. Criteria: Natera Variant Classification Schema (03/2026). Collection method: clinical testing. Allele origin: germline.
Comment: The n.-20_-1dup variant in RMRP is a duplication affecting the RMRP promoter region between the TATA box and the transcription initiation site. Other duplications and insertions just upstream of the transcription initiation site have been reported in individuals affected with cartilage-hair hypoplasia (PMID: 11207361, 17937437). This variant is rare in the general population with a frequency below the threshold expected for the associated phenotype(s). Given the available evidence, this variant is classified as Likely pathogenic.

Women's Health and Genetics/Laboratory Corporation of America, LabCorp
Classification: Likely pathogenic for Metaphyseal chondrodysplasia, McKusick type. Last evaluated: 2024-04-25. Review status: criteria provided, single submitter. Criteria: LabCorp Variant Classification Summary - May 2015. Collection method: clinical testing. Allele origin: germline.
Comment: Variant summary: RMRP n.-20_-1dup20 is located in the promoter region of the RMRP gene which is located between the TATA box (at position -33 to -25) and the transcription initiation site (at +1). Other insertions or duplications in the promoter region of RMRP have been classified as pathogenic (internally and in ClinVar). The variant was absent in 127922 control chromosomes. To our knowledge, no occurrence of n.-20_-1dup20 in individuals affected with Cartilage-Hair Hypoplasia and no experimental evidence demonstrating its impact on protein function have been reported. Many other insertions or duplications in the promoter region of RMRP have been reported in affected individuals in the literature (e.g. PMIDs: 21956908, 21396580) and have been demonstrated through functional studies to lead to reduced RMRP transcription (e.g. PMIDs: 11207361, 16254002). ClinVar contains an entry for this variant (Variation ID: 1067141). Based on the evidence outlined above, the variant was classified as likely pathogenic.

Labcorp Genetics (formerly Invitae), Labcorp
Classification: Pathogenic for Anauxetic dysplasia. Last evaluated: 2022-02-05. Review status: criteria provided, single submitter. Criteria: Invitae Variant Classification Sherloc (09022015). Collection method: clinical testing. Allele origin: germline.
Comment: While functional studies for this variant have not been reported, experimental analyses using patient derived cells, as well as in vitro transfection studies, have shown that promoter insertions result in silencing of RMRP transcription and reduced expression of the gene product (PMID: 11207361, 16254002). For these reasons, this variant has been classified as Pathogenic. While this particular variant has not been reported in the literature, it is located in the promoter region between the TATA box and the transcription initiation site, and other insertions and duplications immediately upstream of the coding sequence have been reported in individuals affected with cartilage-hair hypoplasia-anauxetic dysplasia (CHH-AD) spectrum disorders (PMID: 16244706, 11207361, 12107819). This variant is not present in population databases (gnomAD no frequency). This variant occurs in the RMRP gene, which encodes an RNA molecule that does not result in a protein product.

Literature cited by the submitters: PubMed 11207361 (cited by Natera, Inc. and Labcorp Genetics (formerly Invitae), Labcorp); PubMed 17937437 (cited by Natera, Inc.); PubMed 16254002 (cited by Labcorp Genetics (formerly Invitae), Labcorp); PubMed 16244706 (cited by Labcorp Genetics (formerly Invitae), Labcorp); PubMed 12107819 (cited by Labcorp Genetics (formerly Invitae), Labcorp).

NR_003051.3(RMRP):n.-20_-1dup

Gene: RMRP (RNA component of mitochondrial RNA processing endoribonuclease; minus strand). Cytogenetic location: 9p13.3.
Variant type: Duplication.
Genome position: GRCh38 VCF-style: chr9-35658018-C-CACGTCCTCAGCTTCACAGAG. GRCh37 (hg19) VCF-style: chr9-35658015-C-CACGTCCTCAGCTTCACAGAG.
Identifiers: ClinVar variation 1067141 (VCV001067141.13), dbSNP rs2131809449, ClinGen allele CA2499219885.
Genomic context (GRCh38, chr9:35,658,018, plus strand): 5'-GGAAAGGGGAGGAACAGAGTCCTCAGTGTGTAGCCTAGGATACAGGCCTTCAGCACGAAC[C>CACGTCCTCAGCTTCACAGAG]ACGTCCTCAGCTTCACAGAGTAGTATTTTATAGCCCTAAAGAAATTGTGTTTTATGATTA-3'